The following is an entry in ClinVar:

NM_001854.4(COL11A1):c.4667G>A (p.Arg1556Lys)

Gene: COL11A1 (collagen type XI alpha 1 chain; minus strand). Cytogenetic location: 1p21.1.
Variant type: single nucleotide variant.
Coding change: c.4667G>A on transcript NM_001854.4 (MANE Select); coding-DNA position 4667, G replaced by A.
Protein change: p.Arg1556Lys; replaces arginine 1556 with lysine.
Molecular consequence: missense variant. On other transcripts: non-coding transcript variant (1).
Genome position (GRCh38, 1-based): chr1:102,886,998, C>T on the plus strand (G>A on the coding strand, the complement: COL11A1 is on the minus strand). VCF-style: chr1-102886998-C-T. GRCh37 (hg19) VCF-style: chr1-103352554-C-T.
Other names: c.4319G>A, p.Arg1440Lys (NM_001168249.1, NM_080630.4); c.4550G>A, p.Arg1517Lys (NM_001190709.2); c.4703G>A, p.Arg1568Lys (NM_080629.3); short protein forms R1440K, R1517K, R1556K, R1568K.
Identifiers: ClinVar variation 2698013 (VCV002698013.3), dbSNP rs2524228239, ClinGen allele CA341212128.

ClinVar aggregate classification (germline): Uncertain significance (1 of 4 stars; one submission).

Allele frequency attached by ClinVar (database versions not stated): gnomAD exomes below 0.00001.
gnomAD v4.1: 1 of 1,613,822 alleles (0.000062%); highest among the groups gnomAD compares: Non-Finnish European, 0.000085%; no homozygotes.

Submission:

Labcorp Genetics (formerly Invitae), Labcorp
Classification: Uncertain significance. Last evaluated: 2023-11-21. Review status: criteria provided, single submitter. Criteria: Invitae Variant Classification Sherloc (09022015). Collection method: clinical testing. Allele origin: germline.
Comment: This sequence change replaces arginine, which is basic and polar, with lysine, which is basic and polar, at codon 1556 of the COL11A1 protein (p.Arg1556Lys). This variant is not present in population databases (gnomAD no frequency). This variant has not been reported in the literature in individuals affected with COL11A1-related conditions. Advanced modeling of protein sequence and biophysical properties (such as structural, functional, and spatial information, amino acid conservation, physicochemical variation, residue mobility, and thermodynamic stability) has been performed at Invitae for this missense variant, however the output from this modeling did not meet the statistical confidence thresholds required to predict the impact of this variant on COL11A1 protein function. In summary, the available evidence is currently insufficient to determine the role of this variant in disease. Therefore, it has been classified as a Variant of Uncertain Significance.